The following is an entry in ClinVar:

ClinVar aggregate classification (germline): Likely benign. Review status: criteria provided, multiple submitters, no conflicts (2 of 4 stars). 2 submissions from 2 submitters: Likely benign (2). Last evaluated 2025-10-01.

Allele frequency attached by ClinVar (database versions not stated): gnomAD exomes 0.00001; TOPMed 0.00002.
gnomAD v4.1: 14 of 1,613,714 alleles (0.00087%); highest among the groups gnomAD compares: Middle Eastern, 0.016%; no homozygotes.

Submissions (2):

CeGaT Center for Human Genetics Tuebingen
Classification: Likely benign. Last evaluated: 2025-10-01. Review status: criteria provided, single submitter. Criteria: CeGaT Center For Human Genetics Tuebingen Variant Classification Criteria Version 2. Collection method: clinical testing. Allele origin: germline. Affected: yes. Observed: 1 variant allele.
Comment: SON: BP4, BP7

Labcorp Genetics (formerly Invitae), Labcorp
Classification: Likely benign. Last evaluated: 2023-08-04. Review status: criteria provided, single submitter. Criteria: Invitae Variant Classification Sherloc (09022015). Collection method: clinical testing. Allele origin: germline.

NM_138927.4(SON):c.1272G>A (p.Val424=)

Gene: SON (SON DNA and RNA binding protein; plus strand). Cytogenetic location: 21q22.11.
Variant type: single nucleotide variant.
Coding change: c.1272G>A on transcript NM_138927.4 (MANE Select); coding-DNA position 1272, G replaced by A.
Protein change: p.Val424=; no amino-acid change (valine 424 retained).
Molecular consequence: synonymous variant. On other transcripts: non-coding transcript variant (1), intron variant (1).
Genome position (GRCh38, 1-based): chr21:33,550,503, G>A. VCF-style: chr21-33550503-G-A. GRCh37 (hg19) VCF-style: chr21-34922809-G-A.
Other names: c.1272G>A, p.Val424= (NM_001291411.2, NM_001412133.1, NM_032195.3 and 2 more transcripts); c.244+4124G>A (NM_001291412.3).
Identifiers: ClinVar variation 2971195 (VCV002971195.9), dbSNP rs923655134, ClinGen allele CA320149943.